The following is an entry in ClinVar:

NM_003722.5(TP63):c.1571C>T (p.Ala524Val)

Gene: TP63 (tumor protein p63; plus strand). Cytogenetic location: 3q28.
Variant type: single nucleotide variant.
Coding change: c.1571C>T on transcript NM_003722.5 (MANE Select); coding-DNA position 1571, C replaced by T.
Protein change: p.Ala524Val; replaces alanine 524 with valine.
Molecular consequence: missense variant. On other transcripts: intron variant (4).
Genome position (GRCh38, 1-based): chr3:189,889,403, C>T. VCF-style: chr3-189889403-C-T. GRCh37 (hg19) VCF-style: chr3-189607192-C-T.
Other names: c.1571C>T, p.Ala524Val (NM_001114978.2); c.1289C>T, p.Ala430Val (NM_001114980.2, NM_001114981.2); c.1034C>T, p.Ala345Val (NM_001329146.2); c.1559C>T, p.Ala520Val (NM_001329148.2); c.1565C>T, p.Ala522Val (NM_001329964.2); c.1507+2852C>T (NM_001329144.2); c.1225+2852C>T (NM_001329145.2); c.1213+2852C>T (NM_001329149.2); and 1 more; short protein forms A345V, A430V, A520V, A522V, A524V.
Identifiers: ClinVar variation 4855220 (VCV004855220.1).
Genomic context (GRCh38, chr3:189,889,403, plus strand): 5'-CCATGATGGGCACCCACATGCCAATGGCTGGAGACATGAATGGACTCAGCCCCACCCAGG[C>T]ACTCCCTCCCCCACTCTCCATGCCATCCACCTCCCACTGCACACCCCCACCTCCGTATCC-3'
Protein context (NP_003713.3, residues 514-534): GDMNGLSPTQ[Ala524Val]LPPPLSMPST

ClinVar aggregate classification (germline): Likely pathogenic (1 of 4 stars; one submission).

Conditions:
TP63-related disorder. Also called: TP63-related condition; TP63-Related Disorders. Identifiers: MedGen CN380159.

Submission:

3billion
Classification: Likely pathogenic for TP63-related disorder. Last evaluated: 2025-10-07. Review status: criteria provided, single submitter. Criteria: ACMG Guidelines, 2015. Collection method: clinical testing. Allele origin: germline. Affected: yes.
Comment: The variant is not observed in the gnomAD v4.1.0 dataset. Predicted Consequence/Location: Missense variant. Missense changes are a common disease-causing mechanism. In silico tools predict the variant to alter splicing and produce an abnormal transcript [SpliceAI: 0.31 (>=0.2, moderate evidence for spliceogenicity)]. Therefore, this variant is classified as Likely pathogenic according to the recommendation of ACMG/AMP guideline.